The following is an entry in ClinVar:

NM_003742.4(ABCB11):c.2834G>A (p.Ser945Asn)

Genes: ABCB11 (ATP binding cassette subfamily B member 11; minus strand), LOC126806400 (CDK7 strongly-dependent group 2 enhancer GRCh37_chr2:169791870-169793069; plus strand). Cytogenetic location: 2q31.1.
Variant type: single nucleotide variant.
Coding change: c.2834G>A on transcript NM_003742.4 (MANE Select); coding-DNA position 2834, G replaced by A.
Protein change: p.Ser945Asn; replaces serine 945 with asparagine.
Molecular consequence: missense variant.
Genome position (GRCh38, 1-based): chr2:168,935,406, C>T on the plus strand (G>A on the coding strand, the complement: ABCB11 is on the minus strand). VCF-style: chr2-168935406-C-T. GRCh37 (hg19) VCF-style: chr2-169791916-C-T.
Other names: c.2834G>A, p.Ser945Asn (LRG_1199t1); short protein forms S945N.
Identifiers: ClinVar variation 332024 (VCV000332024.15), dbSNP rs200857579, ClinGen allele CA1951166.

ClinVar aggregate classification (germline): Likely benign. Review status: criteria provided, single submitter (1 of 4 stars). 2 submissions from 2 submitters: Likely benign (1). 1 of the submissions does not count toward it. Last evaluated 2026-01-05.

Conditions:
ABCB11-related disorder. Also called: ABCB11-related condition.

Allele frequency attached by ClinVar (database versions not stated): ESP Exome Variant Server 0.00008; TOPMed 0.00011; gnomAD 0.00012 and 0.00013; gnomAD exomes 0.00012 and 0.00024; ExAC 0.00018.
gnomAD v4.1: 362 of 1,612,236 alleles (0.022%); highest among the groups gnomAD compares: Non-Finnish European, 0.03%; 1 homozygote.

Submissions (2):

Labcorp Genetics (formerly Invitae), Labcorp
Classification: Likely benign. Last evaluated: 2026-01-05. Review status: criteria provided, single submitter. Criteria: Invitae Variant Classification Sherloc (09022015). Collection method: clinical testing. Allele origin: germline.

PreventionGenetics, part of Exact Sciences
Classification: Uncertain significance for ABCB11-related condition. Last evaluated: 2024-02-09. Review status: no assertion criteria provided. Collection method: clinical testing. Allele origin: germline. Not counted in ClinVar's aggregate classification.
Comment: The ABCB11 c.2834G>A variant is predicted to result in the amino acid substitution p.Ser945Asn. To our knowledge, this variant has not been reported in the literature. This variant is reported in 0.027% of alleles in individuals of European (Non-Finnish) descent in gnomAD. At this time, the clinical significance of this variant is uncertain due to the absence of conclusive functional and genetic evidence.